The following is an entry in ClinVar:

ClinVar aggregate classification (germline): Uncertain significance (1 of 4 stars; one submission).

Conditions:
Epileptic encephalopathy. Identifiers: MedGen C0543888, HP:0200134.

Allele frequency attached by ClinVar (database versions not stated): gnomAD exomes below 0.00001; TOPMed 0.00001.
gnomAD v4.1: 3 of 1,560,324 alleles (0.00019%); highest among the groups gnomAD compares: Admixed American, 0.0019%; no homozygotes.

Submission:

Labcorp Genetics (formerly Invitae), Labcorp
Classification: Uncertain significance for Epileptic encephalopathy. Last evaluated: 2024-02-17. Review status: criteria provided, single submitter. Criteria: Invitae Variant Classification Sherloc (09022015). Collection method: clinical testing. Allele origin: germline.
Comment: This sequence change replaces isoleucine, which is neutral and non-polar, with valine, which is neutral and non-polar, at codon 2290 of the FASN protein (p.Ile2290Val). The frequency data for this variant in the population databases is considered unreliable, as metrics indicate poor data quality at this position in the gnomAD database. This variant has not been reported in the literature in individuals affected with FASN-related conditions. ClinVar contains an entry for this variant (Variation ID: 837636). Algorithms developed to predict the effect of missense changes on protein structure and function output the following: SIFT: "Not Available"; PolyPhen-2: "Benign"; Align-GVGD: "Not Available". The valine amino acid residue is found in multiple mammalian species, which suggests that this missense change does not adversely affect protein function. In summary, the available evidence is currently insufficient to determine the role of this variant in disease. Therefore, it has been classified as a Variant of Uncertain Significance.

NM_004104.5(FASN):c.6868A>G (p.Ile2290Val)

Gene: FASN (fatty acid synthase; minus strand). Cytogenetic location: 17q25.3.
Variant type: single nucleotide variant.
Coding change: c.6868A>G on transcript NM_004104.5 (MANE Select); coding-DNA position 6868, A replaced by G.
Protein change: p.Ile2290Val; replaces isoleucine 2290 with valine.
Molecular consequence: missense variant.
Genome position (GRCh38, 1-based): chr17:82,080,549, T>C on the plus strand (A>G on the coding strand, the complement: FASN is on the minus strand). VCF-style: chr17-82080549-T-C. GRCh37 (hg19) VCF-style: chr17-80038425-T-C.
Other names: short protein forms I2290V.
Identifiers: ClinVar variation 837636 (VCV000837636.9), dbSNP rs575193007, ClinGen allele CA401598373.